The following is an entry in ClinVar:

NM_001379029.1(CERT1):c.1189G>T (p.Val397Phe)

Gene: CERT1 (ceramide transporter 1; minus strand). Cytogenetic location: 5q13.3.
Variant type: single nucleotide variant.
Coding change: c.1189G>T on transcript NM_001379029.1 (MANE Select); coding-DNA position 1189, G replaced by T.
Protein change: p.Val397Phe; replaces valine 397 with phenylalanine.
Molecular consequence: missense variant.
Genome position (GRCh38, 1-based): chr5:75,389,687, C>A on the plus strand (G>T on the coding strand, the complement: CERT1 is on the minus strand). VCF-style: chr5-75389687-C-A. GRCh37 (hg19) VCF-style: chr5-74685512-C-A.
Other names: c.1189G>T, p.Val397Phe (NM_005713.3, NM_001379002.1); c.1111G>T, p.Val371Phe (NM_031361.3, NM_001379003.1, NM_001379004.1); c.1573G>T, p.Val525Phe (NM_001130105.1); short protein forms V371F, V397F, V525F.
Identifiers: ClinVar variation 4881119 (VCV004881119.2).

ClinVar aggregate classification (germline): Uncertain significance (1 of 4 stars; one submission).

Submission:

Dasa
Classification: Uncertain significance. Last evaluated: 2024-11-12. Review status: criteria provided, single submitter. Criteria: DASA Assertion Criteria. Collection method: clinical testing. Allele origin: germline.
Comment: NM_001379029.1(CERT1):c.1189G>T (p.Val397Phe) is a missense variant that results in the substitution of valine with phenylalanine. This variant is rare in population databases. Computational prediction algorithms are consistent with a deleterious effect. The currently available literature and clinical evidence are not sufficient to establish a definitive association between this variant and the reported condition. Therefore, this variant is classified as a variant of uncertain significance.